The following is an entry in ClinVar:

ClinVar aggregate classification (germline): Uncertain significance (1 of 4 stars; one submission).

gnomAD v4.1: 2 of 1,609,176 alleles (0.00012%); highest among the groups gnomAD compares: African/African-American, 0.0027%; no homozygotes.

Submission:

GeneDx
Classification: Uncertain significance. Last evaluated: 2026-03-19. Review status: criteria provided, single submitter. Criteria: GeneDx Variant Classification Process June 2021. Collection method: clinical testing. Allele origin: germline.
Comment: Not observed at significant frequency in large population cohorts (gnomAD); In silico analysis supports that this missense variant has a deleterious effect on protein structure/function; Has not been previously published as pathogenic or benign to our knowledge

NM_001394062.1(MACF1):c.18230A>C (p.Asp6077Ala)

Gene: MACF1 (microtubule actin crosslinking factor 1; plus strand). Cytogenetic location: 1p34.3.
Variant type: single nucleotide variant.
Coding change: c.18230A>C on transcript NM_001394062.1 (MANE Select); coding-DNA position 18230, A replaced by C.
Protein change: p.Asp6077Ala; replaces aspartic acid 6077 with alanine.
Molecular consequence: missense variant.
Genome position (GRCh38, 1-based): chr1:39,439,283, A>C. VCF-style: chr1-39439283-A-C. GRCh37 (hg19) VCF-style: chr1-39904955-A-C.
Other names: c.6308A>C, p.Asp2103Ala (NM_001397473.1); c.12053A>C, p.Asp4018Ala (NM_012090.5); short protein forms D2103A, D6077A, D4018A.
Identifiers: ClinVar variation 5009524 (VCV005009524.1).
Genomic context (GRCh38, chr1:39,439,283, plus strand): 5'-TTCAGGCTCTTCAGAAAGTCCTATTCATATCTCTTTTTTTAACCTCCTCAGAAATCCAGG[A>C]TAAATTGGATCAAATGGTATTCTTCTGGGAGGACATCAAAGCTCGGGCTGAAGAACGAGA-3'
Protein context (NP_001380991.1, residues 6067-6087): DKDLAAKEIQ[Asp6077Ala]KLDQMVFFWE